The following is an entry in ClinVar:

ClinVar aggregate classification (germline): Uncertain significance (1 of 4 stars; one submission).

gnomAD v4.1: 137 of 1,596,204 alleles (0.0086%); highest among the groups gnomAD compares: Non-Finnish European, 0.011%; no homozygotes.

Submission:

Women's Health and Genetics/Laboratory Corporation of America, LabCorp
Classification: Uncertain significance. Last evaluated: 2024-09-04. Review status: criteria provided, single submitter. Criteria: LabCorp Variant Classification Summary - May 2015. Collection method: clinical testing. Allele origin: germline.
Comment: Variant summary: CHD1 c.*8T>C is located in the untranslated mRNA region downstream of the termination codon. The variant allele was found at a frequency of 4e-06 in 248730 control chromosomes. The available data on variant occurrences in the general population are insufficient to allow any conclusion about variant significance. To our knowledge, no occurrence of c.*8T>C in individuals affected with Pilarowski-Bjornsson Syndrome and no experimental evidence demonstrating its impact on protein function have been reported. No submitters have cited clinical-significance assessments for this variant to ClinVar. Based on the evidence outlined above, the variant was classified as uncertain significance.

NM_001270.4(CHD1):c.*8T>C

Gene: CHD1 (chromodomain helicase DNA binding protein 1; minus strand). Cytogenetic location: 5q15.
Variant type: single nucleotide variant.
Coding change: c.*8T>C on transcript NM_001270.4 (MANE Select); 8 bases downstream of the stop codon, T replaced by C.
Molecular consequence: 3 prime UTR variant. On other transcripts: non-coding transcript variant (2).
Genome position (GRCh38, 1-based): chr5:98,856,372, A>G on the plus strand (T>C on the coding strand, the complement: CHD1 is on the minus strand). VCF-style: chr5-98856372-A-G. GRCh37 (hg19) VCF-style: chr5-98192076-A-G.
Other names: c.*8T>C (NM_001364113.3, NM_001376194.2).
Identifiers: ClinVar variation 3375064 (VCV003375064.1).